The following is an entry in ClinVar:

NM_000057.4(BLM):c.1397G>A (p.Gly466Glu)

Gene: BLM (BLM RecQ like helicase; plus strand). Cytogenetic location: 15q26.1.
Variant type: single nucleotide variant.
Coding change: c.1397G>A on transcript NM_000057.4 (MANE Select); coding-DNA position 1397, G replaced by A.
Protein change: p.Gly466Glu; replaces glycine 466 with glutamic acid.
Molecular consequence: missense variant.
Genome position (GRCh38, 1-based): chr15:90,760,770, G>A. VCF-style: chr15-90760770-G-A. GRCh37 (hg19) VCF-style: chr15-91304000-G-A.
Other names: c.1397G>A (NM_000057.2); c.1397G>A, p.Gly466Glu (NM_001287246.2, NM_001287247.2); c.272G>A, p.Gly91Glu (NM_001287248.2); short protein forms G466E, G91E.
Identifiers: ClinVar variation 567150 (VCV000567150.11), dbSNP rs1567041006, ClinGen allele CA393842971.

ClinVar aggregate classification (germline): Uncertain significance. Review status: criteria provided, multiple submitters, no conflicts (2 of 4 stars). 4 submissions from 4 submitters: Uncertain significance (3). 1 of the submissions does not count toward it. Last evaluated 2025-07-06.

Conditions:
Bloom syndrome (BLM). Also called: Bloom-Torre-Machacek syndrome. Identifiers: Orphanet 125, MedGen C0005859, MONDO:0008876, OMIM 210900.
Hereditary cancer-predisposing syndrome. Also called: Neoplastic Syndromes, Hereditary; Tumor predisposition; Hereditary neoplastic syndrome; Hereditary Cancer Syndrome. Identifiers: Orphanet 140162, MedGen C0027672, MeSH D009386, MONDO:0015356.

Allele frequency attached by ClinVar (database versions not stated): gnomAD exomes 0.00001.

Submissions (4):

Labcorp Genetics (formerly Invitae), Labcorp
Classification: Uncertain significance for Bloom syndrome. Last evaluated: 2025-07-06. Review status: criteria provided, single submitter. Criteria: Invitae Variant Classification Sherloc (09022015). Collection method: clinical testing. Allele origin: germline.
Comment: This sequence change replaces glycine, which is neutral and non-polar, with glutamic acid, which is acidic and polar, at codon 466 of the BLM protein (p.Gly466Glu). This variant is not present in population databases (gnomAD no frequency). This variant has not been reported in the literature in individuals affected with BLM-related conditions. ClinVar contains an entry for this variant (Variation ID: 567150). Invitae Evidence Modeling of protein sequence and biophysical properties (such as structural, functional, and spatial information, amino acid conservation, physicochemical variation, residue mobility, and thermodynamic stability) indicates that this missense variant is not expected to disrupt BLM protein function with a negative predictive value of 80%. In summary, the available evidence is currently insufficient to determine the role of this variant in disease. Therefore, it has been classified as a Variant of Uncertain Significance.

Ambry Genetics
Classification: Uncertain significance for Hereditary cancer-predisposing syndrome. Last evaluated: 2025-03-18. Review status: criteria provided, single submitter. Criteria: Ambry Variant Classification Scheme 2023. Collection method: clinical testing. Allele origin: germline.
Comment: The p.G466E variant (also known as c.1397G>A), located in coding exon 6 of the BLM gene, results from a G to A substitution at nucleotide position 1397. The glycine at codon 466 is replaced by glutamic acid, an amino acid with similar properties. This amino acid position is not well conserved in available vertebrate species, and glutamic acid is the reference amino acid in other vertebrate species. In addition, this alteration is predicted to be tolerated by in silico analysis. Since supporting evidence is limited at this time, the clinical significance of this alteration remains unclear.

GeneDx
Classification: Uncertain significance. Last evaluated: 2024-09-11. Review status: criteria provided, single submitter. Criteria: GeneDx Variant Classification Process June 2021. Collection method: clinical testing. Allele origin: germline. Affected: yes.
Comment: Not observed at significant frequency in large population cohorts (gnomAD); In silico analysis indicates that this missense variant does not alter protein structure/function; Has not been previously published as pathogenic or benign to our knowledge

Natera, Inc.
Classification: Uncertain significance for Bloom syndrome. Last evaluated: 2020-09-16. Review status: no assertion criteria provided. Collection method: clinical testing. Allele origin: germline. Not counted in ClinVar's aggregate classification.